The following is an entry in ClinVar:

NM_000059.4(BRCA2):c.1087A>G (p.Thr363Ala)

Gene: BRCA2 (BRCA2 DNA repair associated; plus strand). Cytogenetic location: 13q13.1.
Variant type: single nucleotide variant.
Coding change: c.1087A>G on transcript NM_000059.4 (MANE Select); coding-DNA position 1087, A replaced by G.
Protein change: p.Thr363Ala; replaces threonine 363 with alanine.
Molecular consequence: missense variant.
Genome position (GRCh38, 1-based): chr13:32,332,565, A>G. VCF-style: chr13-32332565-A-G. GRCh37 (hg19) VCF-style: chr13-32906702-A-G.
Other names: short protein forms T363A.
Identifiers: ClinVar variation 409509 (VCV000409509.7), dbSNP rs1060502440, ClinGen allele CA16614223.

ClinVar aggregate classification (germline): Conflicting classifications of pathogenicity. Review status: criteria provided, conflicting classifications (1 of 4 stars). 3 submissions from 3 submitters: Uncertain significance (2); Likely benign (1). Last evaluated 2025-11-05.

Conditions:
Hereditary breast ovarian cancer syndrome. Also called: Hereditary breast and ovarian cancer; Hereditary breast and/or ovarian cancer syndrome; BRCA1- and BRCA2-Associated Hereditary Breast and Ovarian Cancer; Hereditary breast and ovarian cancer syndrome; Hereditary breast and ovarian cancer syndrome (HBOC); Breast and ovarian cancer. Identifiers: Orphanet 145, MedGen C0677776, MeSH D061325, MONDO:0003582. Disease mechanism: loss of function.
Hereditary cancer-predisposing syndrome. Also called: Tumor predisposition; Hereditary Cancer Syndrome; Hereditary neoplastic syndrome; Neoplastic Syndromes, Hereditary. Identifiers: Orphanet 140162, MedGen C0027672, MeSH D009386, MONDO:0015356.

Submissions (3):

Labcorp Genetics (formerly Invitae), Labcorp
Classification: Uncertain significance for Hereditary breast ovarian cancer syndrome. Last evaluated: 2025-11-05. Review status: criteria provided, single submitter. Criteria: Invitae Variant Classification Sherloc (09022015). Collection method: clinical testing. Allele origin: germline.
Comment: This sequence change replaces threonine, which is neutral and polar, with alanine, which is neutral and non-polar, at codon 363 of the BRCA2 protein (p.Thr363Ala). This variant is not present in population databases (gnomAD no frequency). This variant has not been reported in the literature in individuals affected with BRCA2-related conditions. ClinVar contains an entry for this variant (Variation ID: 409509). Invitae Evidence Modeling of protein sequence and biophysical properties (such as structural, functional, and spatial information, amino acid conservation, physicochemical variation, residue mobility, and thermodynamic stability) indicates that this missense variant is not expected to disrupt BRCA2 protein function with a negative predictive value of 95%. In summary, the available evidence is currently insufficient to determine the role of this variant in disease. Therefore, it has been classified as a Variant of Uncertain Significance.

University of Washington Department of Laboratory Medicine, University of Washington
Classification: Likely benign for Hereditary cancer-predisposing syndrome. Last evaluated: 2023-03-23. Review status: criteria provided, single submitter. Criteria: Dines et al. (Genet Med. 2020). Collection method: curation. Allele origin: germline.
Comment: Missense variant in a coldspot region where missense variants are very unlikely to be pathogenic (PMID:31911673).

BRCA2 exon 10 coldspot. Reclassification based on statistical prior probability.

Ambry Genetics
Classification: Uncertain significance for Hereditary cancer-predisposing syndrome. Last evaluated: 2022-12-13. Review status: criteria provided, single submitter. Criteria: Ambry Variant Classification Scheme 2023. Collection method: clinical testing. Allele origin: germline.
Comment: The p.T363A variant (also known as c.1087A>G), located in coding exon 9 of the BRCA2 gene, results from an A to G substitution at nucleotide position 1087. The threonine at codon 363 is replaced by alanine, an amino acid with similar properties. This amino acid position is poorly conserved in available vertebrate species. In addition, this alteration is predicted to be tolerated by in silico analysis. Since supporting evidence is limited at this time, the clinical significance of this alteration remains unclear.